The following is an entry in ClinVar:

NM_025074.7(FRAS1):c.1887del (p.Lys630fs)

Gene: FRAS1 (Fraser extracellular matrix complex subunit 1; plus strand). Cytogenetic location: 4q21.21.
Variant type: Deletion.
Coding change: c.1887del on transcript NM_025074.7 (MANE Select); coding-DNA position 1887, one base deleted (C; older notation c.1887delC).
Protein change: p.Lys630fs; shifts the reading frame from lysine 630.
Molecular consequence: frameshift variant.
Genome position (GRCh38, 1-based): chr4:78,317,435, C deleted; the last of 7 consecutive C bases (chr4:78,317,429-78,317,435); deleting any one gives the same sequence. VCF-style (leftmost placement, unchanged base first): chr4-78317428-GC-G. GRCh37 (hg19) VCF-style: chr4-79238582-GC-G.
Other names: c.1887del, p.Lys630fs (NM_001166133.2); c.1887delC (NM_025074.6); short protein forms K630fs.
Identifiers: ClinVar variation 2874262 (VCV002874262.5), dbSNP rs776570778, ClinGen allele CA645525856.

ClinVar aggregate classification (germline): Pathogenic/Likely pathogenic. Review status: criteria provided, multiple submitters, no conflicts (2 of 4 stars). 3 submissions from 3 submitters: Pathogenic (1); Likely pathogenic (1). 1 of the submissions does not count toward it. Last evaluated 2024-03-29.

Conditions:
Fraser syndrome 1 (FRASRS1). Also called: CRYPTOPHTHALMOS WITH OTHER MALFORMATIONS. Identifiers: Orphanet 2052, MedGen C4551480, MONDO:0054737, OMIM 219000.
FRAS1-related disorder. Also called: FRAS1-related condition.

Submissions (3):

Fulgent Genetics
Classification: Likely pathogenic for Fraser syndrome 1. Last evaluated: 2024-03-29. Review status: criteria provided, single submitter. Criteria: ACMG Guidelines, 2015. Collection method: clinical testing. Allele origin: germline.

Labcorp Genetics (formerly Invitae), Labcorp
Classification: Pathogenic. Last evaluated: 2023-06-02. Review status: criteria provided, single submitter. Criteria: Invitae Variant Classification Sherloc (09022015). Collection method: clinical testing. Allele origin: germline.
Comment: For these reasons, this variant has been classified as Pathogenic. This variant has not been reported in the literature in individuals affected with FRAS1-related conditions. This variant is not present in population databases (gnomAD no frequency). This sequence change creates a premature translational stop signal (p.Lys630Argfs*67) in the FRAS1 gene. It is expected to result in an absent or disrupted protein product. Loss-of-function variants in FRAS1 are known to be pathogenic (PMID: 12766769, 18671281).

PreventionGenetics, part of Exact Sciences
Classification: Pathogenic for FRAS1-related condition. Last evaluated: 2024-06-12. Review status: no assertion criteria provided. Collection method: clinical testing. Allele origin: germline. Not counted in ClinVar's aggregate classification.
Comment: The FRAS1 c.1887delC variant is predicted to result in a frameshift and premature protein termination (p.Lys630Argfs*67). To our knowledge, his variant has not been reported in the literature or in gnomAD, indicating this variant is rare. Frameshift variants in FRAS1 are expected to be pathogenic. This variant is interpreted as pathogenic.

Literature cited by the submitters: PubMed 12766769 (cited by Labcorp Genetics (formerly Invitae), Labcorp); PubMed 18671281 (cited by Labcorp Genetics (formerly Invitae), Labcorp).